The following is an entry in ClinVar:

ClinVar aggregate classification (germline): Uncertain significance (1 of 4 stars; one submission).

Conditions:
Hereditary breast ovarian cancer syndrome. Also called: Hereditary breast and/or ovarian cancer syndrome; Hereditary breast and ovarian cancer syndrome; Hereditary breast and ovarian cancer syndrome (HBOC); Breast and ovarian cancer; BRCA1- and BRCA2-Associated Hereditary Breast and Ovarian Cancer; Hereditary breast and ovarian cancer. Identifiers: Orphanet 145, MedGen C0677776, MeSH D061325, MONDO:0003582. Disease mechanism: loss of function.

Allele frequency attached by ClinVar (database versions not stated): gnomAD exomes below 0.00001.
gnomAD v4.1: 1 of 1,585,034 alleles (0.000063%); highest among the groups gnomAD compares: Non-Finnish European, 0.000087%; no homozygotes.

Submission:

Labcorp Genetics (formerly Invitae), Labcorp
Classification: Uncertain significance for Hereditary breast ovarian cancer syndrome. Last evaluated: 2019-06-06. Review status: criteria provided, single submitter. Criteria: Invitae Variant Classification Sherloc (09022015). Collection method: clinical testing. Allele origin: germline.
Comment: This sequence change falls in intron 6 of the BRCA1 gene. It does not directly change the encoded amino acid sequence of the BRCA1 protein. This variant is not present in population databases (ExAC no frequency). This variant has not been reported in the literature in individuals with BRCA1-related conditions. Algorithms developed to predict the effect of sequence changes on RNA splicing suggest that this variant may create or strengthen a splice site, but this prediction has not been confirmed by published transcriptional studies. In summary, the available evidence is currently insufficient to determine the role of this variant in disease. Therefore, it has been classified as a Variant of Uncertain Significance.

NM_007294.4(BRCA1):c.442-13C>G

Gene: BRCA1 (BRCA1 DNA repair associated; minus strand). Cytogenetic location: 17q21.31.
Variant type: single nucleotide variant.
Coding change: c.442-13C>G on transcript NM_007294.4 (MANE Select); 13 bases into the intron before coding-DNA position 442, C replaced by G.
Molecular consequence: intron variant.
Genome position (GRCh38, 1-based): chr17:43,099,893, G>C on the plus strand (C>G on the coding strand, the complement: BRCA1 is on the minus strand). VCF-style: chr17-43099893-G-C. GRCh37 (hg19) VCF-style: chr17-41251910-G-C.
Other names: c.301-13C>G (NM_001408458.1, NM_001407922.1, NM_001408469.1 and 61 more transcripts); c.-218-5033C>G (NM_001407967.1, NM_001407966.1); c.61-13C>G (NM_001407959.1, NM_001408512.1, NM_001408510.1 and 3 more transcripts); c.301-16C>G (NM_001407931.1, NM_001407747.1, NM_001408470.1 and 35 more transcripts); c.61-16C>G (NM_001407962.1); c.232-13C>G (NM_001407885.1, NM_001407886.1, NM_001407881.1 and 37 more transcripts); c.442-16C>G (NM_001407686.1, NM_001408397.1, NM_001407632.1 and 65 more transcripts); c.442-13C>G (NM_001408436.1, NM_001407665.1, NM_001407980.1 and 96 more transcripts); and 5 more.
Identifiers: ClinVar variation 949318 (VCV000949318.11), dbSNP rs2054309198, ClinGen allele CA1139663131.